The following is an entry in ClinVar:

NM_003754.3(EIF3F):c.35C>T (p.Pro12Leu)

Gene: EIF3F (eukaryotic translation initiation factor 3 subunit F; plus strand). Cytogenetic location: 11p15.4.
Variant type: single nucleotide variant.
Coding change: c.35C>T on transcript NM_003754.3 (MANE Select); coding-DNA position 35, C replaced by T.
Protein change: p.Pro12Leu; replaces proline 12 with leucine.
Molecular consequence: missense variant.
Genome position (GRCh38, 1-based): chr11:7,987,387, C>T. VCF-style: chr11-7987387-C-T. GRCh37 (hg19) VCF-style: chr11-8008934-C-T.
Other names: short protein forms P12L.
Identifiers: ClinVar variation 3060960 (VCV003060960.2), dbSNP rs61734576, ClinGen allele CA5870377.

ClinVar aggregate classification (germline): Benign (0 of 4 stars; one submission).

Conditions:
EIF3F-related disorder. Also called: EIF3F-related condition.

Allele frequency attached by ClinVar (database versions not stated): ESP Exome Variant Server 0.03133; 1000 Genomes Project 0.03774; 1000 Genomes Project 30x 0.03919; gnomAD 0.04399; TOPMed 0.04604; gnomAD exomes 0.05081; ExAC 0.05818.
gnomAD v4.1: 79,634 of 1,598,832 alleles (5%); highest among the groups gnomAD compares: Admixed American, 18%; 3,079 homozygotes.

Submission:

PreventionGenetics, part of Exact Sciences
Classification: Benign for EIF3F-related condition. Last evaluated: 2019-09-26. Review status: no assertion criteria provided. Collection method: clinical testing. Allele origin: germline.
Comment: This variant is classified as benign based on ACMG/AMP sequence variant interpretation guidelines (Richards et al. 2015 PMID: 25741868, with internal and published modifications).